The following is an entry in ClinVar:

ClinVar aggregate classification (germline): Uncertain significance (1 of 4 stars; one submission).

Allele frequency attached by ClinVar (database versions not stated): gnomAD 0.00001; gnomAD exomes 0.00002; ESP Exome Variant Server 0.00008; TOPMed 0.00002; ExAC 0.00003.
gnomAD v4.1: 26 of 1,613,656 alleles (0.0016%); highest among the groups gnomAD compares: African/African-American, 0.004%; no homozygotes.

Submission:

Labcorp Genetics (formerly Invitae), Labcorp
Classification: Uncertain significance. Last evaluated: 2025-02-13. Review status: criteria provided, single submitter. Criteria: Invitae Variant Classification Sherloc (09022015). Collection method: clinical testing. Allele origin: germline.
Comment: This sequence change falls in intron 3 of the GABRB1 gene. It does not directly change the encoded amino acid sequence of the GABRB1 protein. It affects a nucleotide within the consensus splice site. This variant is present in population databases (rs377221976, gnomAD 0.005%). This variant has been observed in individual(s) with clinical features of developmental and epileptic encephalopathy (internal data). ClinVar contains an entry for this variant (Variation ID: 1473732). Variants that disrupt the consensus splice site are a relatively common cause of aberrant splicing (PMID: 17576681, 9536098). Algorithms developed to predict the effect of sequence changes on RNA splicing suggest that this variant is not likely to affect RNA splicing. In summary, the available evidence is currently insufficient to determine the role of this variant in disease. Therefore, it has been classified as a Variant of Uncertain Significance.

Literature cited by the submitters: PubMed 17576681; PubMed 9536098.

NM_000812.4(GABRB1):c.240+3G>A

Gene: GABRB1 (gamma-aminobutyric acid type A receptor subunit beta1; plus strand). Cytogenetic location: 4p12.
Variant type: single nucleotide variant.
Coding change: c.240+3G>A on transcript NM_000812.4 (MANE Select); 3 bases into the intron after coding-DNA position 240, G replaced by A.
Molecular consequence: intron variant.
Genome position (GRCh38, 1-based): chr4:47,032,487, G>A. VCF-style: chr4-47032487-G-A. GRCh37 (hg19) VCF-style: chr4-47034504-G-A.
Identifiers: ClinVar variation 1473732 (VCV001473732.6), dbSNP rs377221976, ClinGen allele CA2907482.